The following is an entry in ClinVar:

ClinVar aggregate classification (germline): Likely pathogenic (1 of 4 stars; one submission).

Conditions:
Autosomal recessive limb-girdle muscular dystrophy type 2J (LGMDR10). Also called: Limb-girdle muscular dystrophy, type 2J; MUSCULAR DYSTROPHY, LIMB-GIRDLE, AUTOSOMAL RECESSIVE 10. Identifiers: Orphanet 140922, MedGen C1837342, MONDO:0012127, OMIM 608807.
Dilated cardiomyopathy 1G (CMD1G). Identifiers: Orphanet 154, MedGen C1858763, MONDO:0011400, OMIM 604145.

Submission:

Labcorp Genetics (formerly Invitae), Labcorp
Classification: Likely pathogenic for Dilated cardiomyopathy 1G; Autosomal recessive limb-girdle muscular dystrophy type 2J. Last evaluated: 2022-12-30. Review status: criteria provided, single submitter. Criteria: Invitae Variant Classification Sherloc (09022015). Collection method: clinical testing. Allele origin: unknown.
Comment: This variant disrupts the I, A, and M bands of TTN (PMID: 25589632). Truncating variants in the A band are significantly overrepresented in patients affected with dilated cardiomyopathy (PMID: 25589632). Truncating variants in this region have also been reported in individuals affected with autosomal recessive centronuclear myopathy (PMID: 23975875). In summary, the currently available evidence indicates that the variant is pathogenic, but additional data are needed to prove that conclusively. Therefore, this variant has been classified as Likely Pathogenic. This variant has not been reported in the literature in individuals affected with TTN-related conditions. This variant results in the deletion of exons 202-357 and part of exon 358 (c.39044-?_103108del) of the TTN gene. This deletion extends beyond the assayed region for this gene. It is expected to disrupt RNA splicing and likely results in a truncated or disrupted TTN protein.

Literature cited by the submitters: PubMed 25589632; PubMed 23975875.

NC_000002.11:g.(?_179398234)_(179517183_?)del

Gene: TTN (titin; minus strand). Cytogenetic location: 2q31.2.
Variant type: Deletion.
Identifiers: ClinVar variation 3247300 (VCV003247300.1).